The following is an entry in ClinVar:

ClinVar aggregate classification (germline): Uncertain significance (1 of 4 stars; one submission).

Conditions:
Cardiovascular phenotype. Identifiers: MedGen CN230736.

Allele frequency attached by ClinVar (database versions not stated): TOPMed below 0.00001.

Submission:

Ambry Genetics
Classification: Uncertain significance for Cardiovascular phenotype. Last evaluated: 2024-02-06. Review status: criteria provided, single submitter. Criteria: Ambry Variant Classification Scheme 2023. Collection method: clinical testing. Allele origin: germline.
Comment: The p.R3206S variant (also known as c.9618G>C), located in coding exon 26 of the APOB gene, results from a G to C substitution at nucleotide position 9618. The arginine at codon 3206 is replaced by serine, an amino acid with dissimilar properties. This amino acid position is conserved. In addition, this alteration is predicted to be tolerated by in silico analysis. Based on the available evidence, the clinical significance of this alteration remains unclear.

NM_000384.3(APOB):c.9618G>C (p.Arg3206Ser)

Gene: APOB (apolipoprotein B; minus strand). Cytogenetic location: 2p24.1.
Variant type: single nucleotide variant.
Coding change: c.9618G>C on transcript NM_000384.3 (MANE Select); coding-DNA position 9618, G replaced by C.
Protein change: p.Arg3206Ser; replaces arginine 3206 with serine.
Molecular consequence: missense variant.
Genome position (GRCh38, 1-based): chr2:21,007,250, C>G on the plus strand (G>C on the coding strand, the complement: APOB is on the minus strand). VCF-style: chr2-21007250-C-G. GRCh37 (hg19) VCF-style: chr2-21230122-C-G.
Other names: short protein forms R3206S.
Identifiers: ClinVar variation 3231476 (VCV003231476.1), dbSNP rs1663169429, ClinGen allele CA345989363.